The following is an entry in ClinVar:

ClinVar aggregate classification (germline): Likely benign. Review status: criteria provided, single submitter (1 of 4 stars). 2 submissions from 2 submitters: Likely benign (1). 1 of the submissions does not count toward it. Last evaluated 2023-03-23.

Conditions:
Hereditary cancer-predisposing syndrome. Also called: Hereditary Cancer Syndrome; Hereditary neoplastic syndrome; Neoplastic Syndromes, Hereditary; Tumor predisposition. Identifiers: Orphanet 140162, MedGen C0027672, MeSH D009386, MONDO:0015356.
Breast-ovarian cancer, familial, susceptibility to, 1 (BROVCA1). Also called: BRCA1 Hereditary Breast and Ovarian Cancer; OVARIAN CANCER, SUSCEPTIBILITY TO. Identifiers: Orphanet 145, MedGen C2676676, MONDO:0011450, OMIM 604370. Disease mechanism: loss of function.

Submissions (2):

University of Washington Department of Laboratory Medicine, University of Washington
Classification: Likely benign for Hereditary cancer-predisposing syndrome. Last evaluated: 2023-03-23. Review status: criteria provided, single submitter. Criteria: Dines et al. (Genet Med. 2020). Collection method: curation. Allele origin: germline.
Comment: Missense variant in a coldspot region where missense variants are very unlikely to be pathogenic (PMID:31911673).

BRCA1 coldspot (exon 11 using historical exon numbering). Reclassification based on statistical prior probability

Breast Cancer Information Core (BIC) (BRCA1)
Classification: Uncertain significance for Breast-ovarian cancer, familial 1. Last evaluated: 2002-05-29. Review status: no assertion criteria provided. Collection method: clinical testing. Allele origin: germline. Affected: yes. Observed: 1 variant allele. Not counted in ClinVar's aggregate classification.

NM_007294.4(BRCA1):c.3542T>C (p.Val1181Ala)

Genes: BRCA1 (BRCA1 DNA repair associated; minus strand), LOC126862571 (BRD4-independent group 4 enhancer GRCh37_chr17:41243136-41244335; plus strand). Cytogenetic location: 17q21.31.
Variant type: single nucleotide variant.
Coding change: c.3542T>C on transcript NM_007294.4 (MANE Select); coding-DNA position 3542, T replaced by C.
Protein change: p.Val1181Ala; replaces valine 1181 with alanine.
Molecular consequence: missense variant. On other transcripts: intron variant (135).
Genome position (GRCh38, 1-based): chr17:43,091,989, A>G on the plus strand (T>C on the coding strand, the complement: BRCA1 is on the minus strand). VCF-style: chr17-43091989-A-G. GRCh37 (hg19) VCF-style: chr17-41244006-A-G.
Other names: c.3329T>C, p.Val1110Ala (NM_001407894.1, NM_001407895.1, NM_001407896.1 and 9 more transcripts); c.3332T>C, p.Val1111Ala (NM_001407900.1, NM_001407902.1, NM_001407904.1 and 13 more transcripts); c.3419T>C, p.Val1140Ala (NM_001407919.1, NM_001407937.1, NM_001407938.1 and 19 more transcripts); c.3278T>C, p.Val1093Ala (NM_001407920.1, NM_001407921.1, NM_001407922.1 and 9 more transcripts); c.3275T>C, p.Val1092Ala (NM_001407930.1, NM_001407931.1, NM_001407932.1 and 2 more transcripts); c.3416T>C, p.Val1139Ala (NM_001407940.1, NM_001407941.1, NM_001407649.1 and 11 more transcripts); c.3401T>C, p.Val1134Ala (NM_001407942.1, NM_001407944.1, NM_001407945.1 and 29 more transcripts); c.3398T>C, p.Val1133Ala (NM_001407943.1, NM_001407964.1, NM_001407740.1 and 20 more transcripts); and 41 more; short protein forms V1181A, V1134A, V1069A, V1093A, V1113A, V1154A, V1155A, V1180A.
Identifiers: ClinVar variation 54912 (VCV000054912.5), dbSNP rs80357032, ClinGen allele CA002265.